The following is an entry in ClinVar:

ClinVar aggregate classification (germline): Likely benign. Review status: criteria provided, multiple submitters, no conflicts (2 of 4 stars). 2 submissions from 2 submitters: Likely benign (2). Last evaluated 2025-11-19.

Conditions:
Inflammatory bowel disease. Identifiers: Orphanet 104012, MedGen C0021390, MONDO:0005265.

Allele frequency attached by ClinVar (database versions not stated): 1000 Genomes Project 0.00020; gnomAD 0.00003 and 0.00005; TOPMed 0.00005; 1000 Genomes Project 30x 0.00016.
gnomAD v4.1: 30 of 1,614,084 alleles (0.0019%); highest among the groups gnomAD compares: East Asian, 0.0089%; no homozygotes.

Submissions (2):

Mayo Clinic Laboratories, Mayo Clinic
Classification: Likely benign. Last evaluated: 2025-11-19. Review status: criteria provided, single submitter. Criteria: ACMG Guidelines, 2015. Collection method: clinical testing. Allele origin: germline. Observed: 1 variant allele.
Comment: BP4, BP7

Labcorp Genetics (formerly Invitae), Labcorp
Classification: Likely benign for Inflammatory bowel disease. Last evaluated: 2025-09-29. Review status: criteria provided, single submitter. Criteria: Invitae Variant Classification Sherloc (09022015). Collection method: clinical testing. Allele origin: germline.

NM_000572.3(IL10):c.321G>A (p.Ala107=)

Genes: IL19 (interleukin 19; plus strand), IL10 (interleukin 10; minus strand), LOC129932369 (ATAC-STARR-seq lymphoblastoid active region 2419; plus strand). Cytogenetic location: 1q32.1.
Variant type: single nucleotide variant.
Coding change: c.321G>A on transcript NM_000572.3 (MANE Select); coding-DNA position 321, G replaced by A.
Protein change: p.Ala107=; no amino-acid change (alanine 107 retained).
Molecular consequence: synonymous variant. On other transcripts: 5 prime UTR variant (1), non-coding transcript variant (1), intron variant (1).
Genome position (GRCh38, 1-based): chr1:206,770,964, C>T on the plus strand (G>A on the coding strand, the complement: IL10 is on the minus strand). VCF-style: chr1-206770964-C-T. GRCh37 (hg19) VCF-style: chr1-206944309-C-T.
Other names: p.Ala107=; c.-263C>T (NM_153758.5); c.66G>A, p.Ala22= (NM_001382624.1); c.-149+134C>T (NM_001393490.1).
Identifiers: ClinVar variation 1107004 (VCV001107004.10), dbSNP rs560908141, ClinGen allele CA1363777.